The following is an entry in ClinVar:

NM_001041.4(SI):c.2882T>C (p.Val961Ala)

Gene: SI (sucrase-isomaltase; minus strand). Cytogenetic location: 3q26.1.
Variant type: single nucleotide variant.
Coding change: c.2882T>C on transcript NM_001041.4 (MANE Select); coding-DNA position 2882, T replaced by C.
Protein change: p.Val961Ala; replaces valine 961 with alanine.
Molecular consequence: missense variant.
Genome position (GRCh38, 1-based): chr3:165,030,722, A>G on the plus strand (T>C on the coding strand, the complement: SI is on the minus strand). VCF-style: chr3-165030722-A-G. GRCh37 (hg19) VCF-style: chr3-164748510-A-G.
Other names: short protein forms V961A.
Identifiers: ClinVar variation 4763329 (VCV004763329.1).

ClinVar aggregate classification (germline): Uncertain significance (1 of 4 stars; one submission).

Submission:

Labcorp Genetics (formerly Invitae), Labcorp
Classification: Uncertain significance. Last evaluated: 2025-11-23. Review status: criteria provided, single submitter. Criteria: Invitae Variant Classification Sherloc (09022015). Collection method: clinical testing. Allele origin: germline.
Comment: This sequence change replaces valine, which is neutral and non-polar, with alanine, which is neutral and non-polar, at codon 961 of the SI protein (p.Val961Ala). This variant is not present in population databases (gnomAD no frequency). This variant has not been reported in the literature in individuals affected with SI-related conditions. Invitae Evidence Modeling of protein sequence and biophysical properties (such as structural, functional, and spatial information, amino acid conservation, physicochemical variation, residue mobility, and thermodynamic stability) indicates that this missense variant is not expected to disrupt SI protein function with a negative predictive value of 95%. In summary, the available evidence is currently insufficient to determine the role of this variant in disease. Therefore, it has been classified as a Variant of Uncertain Significance.